The following is an entry in ClinVar:

NM_001042492.3(NF1):c.4760T>A (p.Leu1587Ter)

Gene: NF1 (neurofibromin 1; plus strand). Cytogenetic location: 17q11.2.
Variant type: single nucleotide variant.
Coding change: c.4760T>A on transcript NM_001042492.3 (MANE Select); coding-DNA position 4760, T replaced by A.
Protein change: p.Leu1587Ter; replaces leucine 1587 with a stop codon.
Molecular consequence: nonsense.
Genome position (GRCh38, 1-based): chr17:31,265,264, T>A. VCF-style: chr17-31265264-T-A. GRCh37 (hg19) VCF-style: chr17-29592282-T-A.
Other names: c.4697T>A, p.Leu1566Ter (NM_000267.4); short protein forms L1566*, L1587*.
Identifiers: ClinVar variation 3772253 (VCV003772253.13).
Genomic context (GRCh38, chr17:31,265,264, plus strand): 5'-AATTACTCTGTTATTTTTCTTTTAGGCATCAGGTACATGAAAAAGAAGAATTCAAGGCTT[T>A]GAAAACGTTAAGTATTTTCTACCAAGCTGGGACTTCCAAAGCTGGGAATCCTATTTTTTA-3'

ClinVar aggregate classification (germline): Pathogenic (1 of 4 stars; one submission).

Submission:

CeGaT Center for Human Genetics Tuebingen
Classification: Pathogenic. Last evaluated: 2025-01-01. Review status: criteria provided, single submitter. Criteria: CeGaT Center For Human Genetics Tuebingen Variant Classification Criteria Version 2. Collection method: clinical testing. Allele origin: germline. Affected: yes. Observed: 1 variant allele.
Comment: NF1: PVS1, PM2